The following is an entry in ClinVar:

ClinVar aggregate classification (germline): Uncertain significance (1 of 4 stars; one submission).

Conditions:
Pitt-Hopkins-like syndrome 2 (PTHSL2). Identifiers: Orphanet 221150, Orphanet 600663, MedGen C3280479, MONDO:0013690, OMIM 614325.

Allele frequency attached by ClinVar (database versions not stated): gnomAD exomes 0.00001; ExAC 0.00002.
gnomAD v4.1: 12 of 1,613,928 alleles (0.00074%); highest among the groups gnomAD compares: Non-Finnish European, 0.001%; no homozygotes.

Submission:

Labcorp Genetics (formerly Invitae), Labcorp
Classification: Uncertain significance for Pitt-Hopkins-like syndrome 2. Last evaluated: 2020-06-25. Review status: criteria provided, single submitter. Criteria: Invitae Variant Classification Sherloc (09022015). Collection method: clinical testing. Allele origin: germline.
Comment: In summary, the available evidence is currently insufficient to determine the role of this variant in disease. Therefore, it has been classified as a Variant of Uncertain Significance. Algorithms developed to predict the effect of missense changes on protein structure and function are either unavailable or do not agree on the potential impact of this missense change (SIFT: "Tolerated"; PolyPhen-2: "Possibly Damaging"; Align-GVGD: "Class C0"). This variant has not been reported in the literature in individuals with NRXN1-related conditions. This variant is present in population databases (rs764148753, ExAC 0.003%). This sequence change replaces threonine with arginine at codon 1410 of the NRXN1 protein (p.Thr1410Arg). The threonine residue is highly conserved and there is a moderate physicochemical difference between threonine and arginine.

NM_001330078.2(NRXN1):c.4109C>G (p.Thr1370Arg)

Gene: NRXN1 (neurexin 1; minus strand). Cytogenetic location: 2p16.3.
Variant type: single nucleotide variant.
Coding change: c.4109C>G on transcript NM_001330078.2 (MANE Select); coding-DNA position 4109, C replaced by G.
Protein change: p.Thr1370Arg; replaces threonine 1370 with arginine.
Molecular consequence: missense variant.
Genome position (GRCh38, 1-based): chr2:50,053,290, G>C on the plus strand (C>G on the coding strand, the complement: NRXN1 is on the minus strand). VCF-style: chr2-50053290-G-C. GRCh37 (hg19) VCF-style: chr2-50280428-G-C.
Other names: c.4229C>G, p.Thr1410Arg (NM_001135659.3); c.4085C>G, p.Thr1362Arg (NM_001330077.2, NM_001330082.2); c.3953C>G, p.Thr1318Arg (NM_001330083.2); c.4043C>G, p.Thr1348Arg (NM_001330084.2); c.4082C>G, p.Thr1361Arg (NM_001330085.2); c.4109C>G, p.Thr1370Arg (NM_001330086.2); c.3908C>G, p.Thr1303Arg (NM_001330087.2, NM_001330096.2); c.3938C>G, p.Thr1313Arg (NM_001330088.2); and 6 more; short protein forms T1303R, T1323R, T1369R, T1370R, T1313R, T1340R, T305R, T1318R.
Identifiers: ClinVar variation 1034585 (VCV001034585.7), dbSNP rs764148753, ClinGen allele CA1654302.